The following is an entry in ClinVar:

NM_001377540.1(SLMAP):c.572G>A (p.Arg191Gln)

Gene: SLMAP (sarcolemma associated protein; plus strand). Cytogenetic location: 3p14.3.
Variant type: single nucleotide variant.
Coding change: c.572G>A on transcript NM_001377540.1 (MANE Select); coding-DNA position 572, G replaced by A.
Protein change: p.Arg191Gln; replaces arginine 191 with glutamine.
Molecular consequence: missense variant. On other transcripts: non-coding transcript variant (1).
Genome position (GRCh38, 1-based): chr3:57,857,785, G>A. VCF-style: chr3-57857785-G-A. GRCh37 (hg19) VCF-style: chr3-57843512-G-A.
Other names: c.572G>A, p.Arg191Gln (NM_001377925.1, NM_007159.5, NM_001304420.3 and 17 more transcripts); short protein forms R191Q.
Identifiers: ClinVar variation 568066 (VCV000568066.7), dbSNP rs756779633, ClinGen allele CA2466876.

ClinVar aggregate classification (germline): Uncertain significance (1 of 4 stars; one submission).

Conditions:
Brugada syndrome. Also called: Sudden unexplained nocturnal death syndrome; Sudden Unexplained Death Syndrome; Sudden Unexplained Nocturnal Death Syndrome (SUNDS); Sudden unexpected nocturnal death syndrome. Identifiers: Orphanet 130, MedGen C1142166, MONDO:0015263.

Allele frequency attached by ClinVar (database versions not stated): gnomAD exomes below 0.00001 and 0.00001; ExAC 0.00002.
gnomAD v4.1: 6 of 1,613,830 alleles (0.00037%); highest among the groups gnomAD compares: South Asian, 0.0033%; no homozygotes.

Submission:

Labcorp Genetics (formerly Invitae), Labcorp
Classification: Uncertain significance for Brugada syndrome. Last evaluated: 2019-05-07. Review status: criteria provided, single submitter. Criteria: Invitae Variant Classification Sherloc (09022015). Collection method: clinical testing. Allele origin: germline.
Comment: In summary, the available evidence is currently insufficient to determine the role of this variant in disease. Therefore, it has been classified as a Variant of Uncertain Significance. Algorithms developed to predict the effect of missense changes on protein structure and function do not agree on the potential impact of this missense change (SIFT: "Tolerated"; PolyPhen-2: "Possibly Damaging"; Align-GVGD: "Class C0"). This variant has not been reported in the literature in individuals with SLMAP-related disease. This variant is present in population databases (rs756779633, ExAC 0.02%). This sequence change replaces arginine with glutamine at codon 191 of the SLMAP protein (p.Arg191Gln). The arginine residue is highly conserved and there is a small physicochemical difference between arginine and glutamine.